The following is an entry in ClinVar:

NM_006206.6(PDGFRA):c.1377A>C (p.Glu459Asp)

Gene: PDGFRA (platelet derived growth factor receptor alpha; plus strand). Cytogenetic location: 4q12.
Variant type: single nucleotide variant.
Coding change: c.1377A>C on transcript NM_006206.6 (MANE Select); coding-DNA position 1377, A replaced by C.
Protein change: p.Glu459Asp; replaces glutamic acid 459 with aspartic acid.
Molecular consequence: missense variant.
Genome position (GRCh38, 1-based): chr4:54,273,549, A>C. VCF-style: chr4-54273549-A-C. GRCh37 (hg19) VCF-style: chr4-55139716-A-C.
Other names: c.1377A>C, p.Glu459Asp (NM_001347827.2, NM_001347829.2); c.1452A>C, p.Glu484Asp (NM_001347828.2); c.1416A>C, p.Glu472Asp (NM_001347830.2); short protein forms E459D, E472D, E484D.
Identifiers: ClinVar variation 1721373 (VCV001721373.6), dbSNP rs947086492, ClinGen allele CA96858720.

ClinVar aggregate classification (germline): Uncertain significance (1 of 4 stars; one submission).

Conditions:
Gastrointestinal stromal tumor. Also called: Gastrointestinal stroma tumor; Gastrointestinal stromal tumor, somatic. Identifiers: Orphanet 44890, MedGen C0238198, MeSH D046152, MONDO:0011719, OMIM 606764, HP:0100723.

Submission:

Labcorp Genetics (formerly Invitae), Labcorp
Classification: Uncertain significance for Gastrointestinal stromal tumor. Last evaluated: 2022-10-10. Review status: criteria provided, single submitter. Criteria: Invitae Variant Classification Sherloc (09022015). Collection method: clinical testing. Allele origin: germline.
Comment: In summary, the available evidence is currently insufficient to determine the role of this variant in disease. Therefore, it has been classified as a Variant of Uncertain Significance. Advanced modeling of protein sequence and biophysical properties (such as structural, functional, and spatial information, amino acid conservation, physicochemical variation, residue mobility, and thermodynamic stability) performed at Invitae indicates that this missense variant is not expected to disrupt PDGFRA protein function. This variant has not been reported in the literature in individuals affected with PDGFRA-related conditions. This variant is not present in population databases (gnomAD no frequency). This sequence change replaces glutamic acid, which is acidic and polar, with aspartic acid, which is acidic and polar, at codon 459 of the PDGFRA protein (p.Glu459Asp).